The following is an entry in ClinVar:

NM_007294.4(BRCA1):c.2960A>T (p.Lys987Met)

Gene: BRCA1 (BRCA1 DNA repair associated; minus strand). Cytogenetic location: 17q21.31.
Variant type: single nucleotide variant.
Coding change: c.2960A>T on transcript NM_007294.4 (MANE Select); coding-DNA position 2960, A replaced by T.
Protein change: p.Lys987Met; replaces lysine 987 with methionine.
Molecular consequence: missense variant. On other transcripts: intron variant (137).
Genome position (GRCh38, 1-based): chr17:43,092,571, T>A on the plus strand (A>T on the coding strand, the complement: BRCA1 is on the minus strand). VCF-style: chr17-43092571-T-A. GRCh37 (hg19) VCF-style: chr17-41244588-T-A.
Other names: c.2624A>T, p.Lys875Met (NM_001407954.1, NM_001407955.1, NM_001407956.1 and 1 more transcripts); c.2627A>T, p.Lys876Met (NM_001407957.1, NM_001407946.1, NM_001407947.1 and 6 more transcripts); c.2579A>T, p.Lys860Met (NM_001407959.1, NM_001407960.1, NM_001407963.1); c.2576A>T, p.Lys859Met (NM_001407962.1); c.644-1539A>T (NM_001408470.1, NM_001408464.1, NM_001408465.1 and 3 more transcripts); c.647-1539A>T (NM_001408469.1, NM_001408453.1, NM_001408461.1 and 11 more transcripts); c.785-1539A>T (NM_001408397.1, NM_001408473.1, NM_001408399.1 and 13 more transcripts); c.665-1539A>T (NM_001408436.1, NM_001408443.1, NM_001408439.1 and 12 more transcripts); and 41 more; short protein forms K691M, K819M, K859M, K860M, K875M, K876M, K898M, K899M.
Identifiers: ClinVar variation 4856560 (VCV004856560.1).

ClinVar aggregate classification (germline): Likely benign (1 of 4 stars; one submission).

Conditions:
Breast-ovarian cancer, familial, susceptibility to, 1 (BROVCA1). Also called: OVARIAN CANCER, SUSCEPTIBILITY TO; BRCA1 Hereditary Breast and Ovarian Cancer. Identifiers: Orphanet 145, MedGen C2676676, MONDO:0011450, OMIM 604370. Disease mechanism: loss of function.

gnomAD v4.1: 1 of 1,614,120 alleles (0.000062%); highest among the groups gnomAD compares: Non-Finnish European, 0.000085%; no homozygotes.

Submission:

Cancer Bioinformatics and Tumour Evolution Laboratory, Monash University
Classification: Likely benign for Breast-ovarian cancer, familial, susceptibility to, 1. Last evaluated: 2026-05-01. Review status: criteria provided, single submitter. Criteria: ClinGen BRCA1 and BRCA2 Guidelines, 2024. Collection method: curation. Allele origin: germline. Inheritance: Autosomal dominant inheritance.
Comment: Missense variant outside of a functional domain with no splice impact. BRCA1 and BRCA2 VCEP guidelines recommend application of BP1_Strong (PMID: 39142283)